The following is an entry in ClinVar:

NM_001136271.3(NKX2-6):c.572G>T (p.Arg191Leu)

Gene: NKX2-6 (NK2 homeobox 6; minus strand). Cytogenetic location: 8p21.2.
Variant type: single nucleotide variant.
Coding change: c.572G>T on transcript NM_001136271.3 (MANE Select); coding-DNA position 572, G replaced by T.
Protein change: p.Arg191Leu; replaces arginine 191 with leucine.
Molecular consequence: missense variant.
Genome position (GRCh38, 1-based): chr8:23,702,785, C>A on the plus strand (G>T on the coding strand, the complement: NKX2-6 is on the minus strand). VCF-style: chr8-23702785-C-A. GRCh37 (hg19) VCF-style: chr8-23560298-C-A.
Other names: short protein forms R191L.
Identifiers: ClinVar variation 2890547 (VCV002890547.3), dbSNP rs548152920, ClinGen allele CA4677961.

ClinVar aggregate classification (germline): Uncertain significance (1 of 4 stars; one submission).

Conditions:
Conotruncal heart malformations (CTHM). Also called: Conotruncal heart malformations, variable. Identifiers: Orphanet 2445, Orphanet 3384, Orphanet 3426, MedGen C1857586, MONDO:0016581, OMIM 217095.

Allele frequency attached by ClinVar (database versions not stated): TOPMed below 0.00001; gnomAD 0.00001; 1000 Genomes Project 30x 0.00016; 1000 Genomes Project 0.00020.
gnomAD v4.1: 6 of 1,562,304 alleles (0.00038%); highest among the groups gnomAD compares: African/African-American, 0.0054%; no homozygotes.

Submission:

Labcorp Genetics (formerly Invitae), Labcorp
Classification: Uncertain significance for Conotruncal heart malformations. Last evaluated: 2025-04-27. Review status: criteria provided, single submitter. Criteria: Invitae Variant Classification Sherloc (09022015). Collection method: clinical testing. Allele origin: germline.
Comment: This sequence change replaces arginine, which is basic and polar, with leucine, which is neutral and non-polar, at codon 191 of the NKX2-6 protein (p.Arg191Leu). The frequency data for this variant in the population databases is considered unreliable, as metrics indicate poor data quality at this position in the gnomAD database. This variant has not been reported in the literature in individuals affected with NKX2-6-related conditions. ClinVar contains an entry for this variant (Variation ID: 2890547). Invitae Evidence Modeling of protein sequence and biophysical properties (such as structural, functional, and spatial information, amino acid conservation, physicochemical variation, residue mobility, and thermodynamic stability) has been performed for this missense variant. However, the output from this modeling did not meet the statistical confidence thresholds required to predict the impact of this variant on NKX2-6 protein function. In summary, the available evidence is currently insufficient to determine the role of this variant in disease. Therefore, it has been classified as a Variant of Uncertain Significance.